The following is an entry in ClinVar:

NM_001142800.2(EYS):c.4703G>A (p.Arg1568His)

Gene: EYS (eyes shut homolog; minus strand). Cytogenetic location: 6q12.
Variant type: single nucleotide variant.
Coding change: c.4703G>A on transcript NM_001142800.2 (MANE Select); coding-DNA position 4703, G replaced by A.
Protein change: p.Arg1568His; replaces arginine 1568 with histidine.
Molecular consequence: missense variant.
Genome position (GRCh38, 1-based): chr6:64,591,164, C>T on the plus strand (G>A on the coding strand, the complement: EYS is on the minus strand). VCF-style: chr6-64591164-C-T. GRCh37 (hg19) VCF-style: chr6-65301057-C-T.
Other names: c.4703G>A, p.Arg1568His (NM_001292009.2); short protein forms R1568H.
Identifiers: ClinVar variation 2157119 (VCV002157119.1), dbSNP rs1326064456, ClinGen allele CA364782732.

ClinVar aggregate classification (germline): Uncertain significance (1 of 4 stars; one submission).

Allele frequency attached by ClinVar (database versions not stated): gnomAD exomes 0.00003.
gnomAD v4.1: 34 of 1,551,234 alleles (0.0022%); highest among the groups gnomAD compares: Non-Finnish European, 0.0029%; no homozygotes.

Submission:

Labcorp Genetics (formerly Invitae), Labcorp
Classification: Uncertain significance. Last evaluated: 2022-08-01. Review status: criteria provided, single submitter. Criteria: Invitae Variant Classification Sherloc (09022015). Collection method: clinical testing. Allele origin: germline.
Comment: This sequence change replaces arginine, which is basic and polar, with histidine, which is basic and polar, at codon 1568 of the EYS protein (p.Arg1568His). This variant is present in population databases (no rsID available, gnomAD 0.004%). This variant has not been reported in the literature in individuals affected with EYS-related conditions. Algorithms developed to predict the effect of missense changes on protein structure and function output the following: SIFT: "Tolerated"; PolyPhen-2: "Benign"; Align-GVGD: "Class C0". The histidine amino acid residue is found in multiple mammalian species, which suggests that this missense change does not adversely affect protein function. In summary, the available evidence is currently insufficient to determine the role of this variant in disease. Therefore, it has been classified as a Variant of Uncertain Significance.